The following is an entry in ClinVar:

NM_032531.4(KIRREL3):c.954C>T (p.Asn318=)

Gene: KIRREL3 (kirre like nephrin family adhesion molecule 3; minus strand). Cytogenetic location: 11q24.2.
Variant type: single nucleotide variant.
Coding change: c.954C>T on transcript NM_032531.4 (MANE Select); coding-DNA position 954, C replaced by T.
Protein change: p.Asn318=; no amino-acid change (asparagine 318 retained).
Molecular consequence: synonymous variant.
Genome position (GRCh38, 1-based): chr11:126,449,052, G>A on the plus strand (C>T on the coding strand, the complement: KIRREL3 is on the minus strand). VCF-style: chr11-126449052-G-A. GRCh37 (hg19) VCF-style: chr11-126318947-G-A.
Other names: c.954C>T, p.Asn318= (NM_001301097.2, NM_001161707.2).
Identifiers: ClinVar variation 2642537 (VCV002642537.24), dbSNP rs369993672, ClinGen allele CA6356092.

ClinVar aggregate classification (germline): Likely benign (1 of 4 stars; one submission).

Allele frequency attached by ClinVar (database versions not stated): gnomAD exomes 0.00012; ExAC 0.00027; 1000 Genomes Project 0.00060; 1000 Genomes Project 30x 0.00062; gnomAD 0.00090; ESP Exome Variant Server 0.00103; TOPMed 0.00105.
gnomAD v4.1: 318 of 1,613,808 alleles (0.02%); highest among the groups gnomAD compares: African/African-American, 0.31%; 2 homozygotes.

Submission:

CeGaT Center for Human Genetics Tuebingen
Classification: Likely benign. Last evaluated: 2023-04-01. Review status: criteria provided, single submitter. Criteria: CeGaT Center For Human Genetics Tuebingen Variant Classification Criteria Version 2. Collection method: clinical testing. Allele origin: germline. Affected: yes. Observed: 1 variant allele.
Comment: KIRREL3: BP4, BP7